The following is an entry in ClinVar:

NM_133510.4(RAD51B):c.2T>C (p.Met1Thr)

Gene: RAD51B (RAD51 paralog B; plus strand). Cytogenetic location: 14q24.1.
Variant type: single nucleotide variant.
Coding change: c.2T>C on transcript NM_133510.4 (MANE Select); coding-DNA position 2, T replaced by C.
Protein change: p.Met1Thr; changes the start codon (methionine 1).
Molecular consequence: missense variant, initiator codon variant. On other transcripts: 5 prime UTR variant (1).
Genome position (GRCh38, 1-based): chr14:67,823,545, T>C. VCF-style: chr14-67823545-T-C. GRCh37 (hg19) VCF-style: chr14-68290262-T-C.
Other names: c.2T>C, p.Met1Thr (NM_001321809.2, NM_001321810.2, NM_001321812.1 and 6 more transcripts); c.-454T>C (NM_001321817.2); short protein forms M1T.
Identifiers: ClinVar variation 3786426 (VCV003786426.1).

ClinVar aggregate classification (germline): Uncertain significance (1 of 4 stars; one submission).

Submission:

Ambry Genetics
Classification: Uncertain significance. Last evaluated: 2025-02-05. Review status: criteria provided, single submitter. Criteria: Ambry Variant Classification Scheme 2023. Collection method: clinical testing. Allele origin: germline.
Comment: The p.M1? variant (also known as c.2T>C) is located in coding exon 1 of the RAD51B gene and results from a T to C substitution at nucleotide position 2. This alters the methionine residue at the initiation codon (ATG). This amino acid position is highly conserved in available vertebrate species. Sequence variations that modify the initiation codon are expected to result in either loss of translation initiation, N-terminal truncation, or cause a shift in the mRNA reading frame. The evidence for this gene-disease relationship is limited; therefore, the clinical significance of this alteration is unclear.